The following is an entry in ClinVar:

ClinVar aggregate classification (germline): Uncertain significance (1 of 4 stars; one submission).

Conditions:
Neuroblastoma, susceptibility to, 3. Also called: ALK-Related Neuroblastic Tumor Susceptibility. Identifiers: Orphanet 635, MedGen C2751681, MONDO:0013083, OMIM 613014.

Submission:

Labcorp Genetics (formerly Invitae), Labcorp
Classification: Uncertain significance for Neuroblastoma, susceptibility to, 3. Last evaluated: 2024-02-15. Review status: criteria provided, single submitter. Criteria: Invitae Variant Classification Sherloc (09022015). Collection method: clinical testing. Allele origin: germline.
Comment: This sequence change replaces valine, which is neutral and non-polar, with isoleucine, which is neutral and non-polar, at codon 581 of the ALK protein (p.Val581Ile). This variant is not present in population databases (gnomAD no frequency). This variant has not been reported in the literature in individuals affected with ALK-related conditions. Algorithms developed to predict the effect of missense changes on protein structure and function output the following: SIFT: "Not Available"; PolyPhen-2: "Benign"; Align-GVGD: "Not Available". The isoleucine amino acid residue is found in multiple mammalian species, which suggests that this missense change does not adversely affect protein function. In summary, the available evidence is currently insufficient to determine the role of this variant in disease. Therefore, it has been classified as a Variant of Uncertain Significance.

NM_004304.5(ALK):c.1741G>A (p.Val581Ile)

Gene: ALK (ALK receptor tyrosine kinase; minus strand). Cytogenetic location: 2p23.2.
Variant type: single nucleotide variant.
Coding change: c.1741G>A on transcript NM_004304.5 (MANE Select); coding-DNA position 1741, G replaced by A.
Protein change: p.Val581Ile; replaces valine 581 with isoleucine.
Molecular consequence: missense variant.
Genome position (GRCh38, 1-based): chr2:29,296,964, C>T on the plus strand (G>A on the coding strand, the complement: ALK is on the minus strand). VCF-style: chr2-29296964-C-T. GRCh37 (hg19) VCF-style: chr2-29519830-C-T.
Other names: short protein forms V581I.
Identifiers: ClinVar variation 3666263 (VCV003666263.2).